The following is an entry in ClinVar:

ClinVar aggregate classification (germline): Likely pathogenic (1 of 4 stars; one submission).

Conditions:
Deficiency of steroid 11-beta-monooxygenase (CYP11B1). Also called: ADRENAL HYPERPLASIA, CONGENITAL, DUE TO STEROID 11-BETA-HYDROXYLASE DEFICIENCY; 11-BETA-HYDROXYLASE DEFICIENCY; Congenital adrenal hyperplasia due to 11-beta-hydroxylase deficiency; P450C11B1 DEFICIENCY; STEROID 11-BETA-HYDROXYLASE DEFICIENCY; ADRENAL HYPERPLASIA IV. Identifiers: Orphanet 90795, MedGen C0268292, MONDO:0008729, OMIM 202010. Disease mechanism: loss of function.

Submission:

Myriad Genetics, Inc.
Classification: Likely pathogenic for Deficiency of steroid 11-beta-monooxygenase. Last evaluated: 2022-03-05. Review status: criteria provided, single submitter. Criteria: Myriad Women's Health Autosomal Recessive and X-Linked Classification Criteria (2021). Collection method: clinical testing. Allele origin: unknown.
Comment: NM_000497.3(CYP11B1):c.694A>T(K232*) is expected to be pathogenic in the context of congenital adrenal hyperplasia, CYP11B1-related. This variant is predicted to lead to an abnormal or absent protein product due to the creation of a premature termination codon in CYP11B1, a gene where loss-of-function variants are known to be pathogenic. Please note: this variant was assessed in the context of healthy population screening.

NM_000497.4(CYP11B1):c.694A>T (p.Lys232Ter)

Genes: CYP11B1 (cytochrome P450 family 11 subfamily B member 1; minus strand), LOC106799833 (CYP11B1 recombination region; plus strand). Cytogenetic location: 8q24.3.
Variant type: single nucleotide variant.
Coding change: c.694A>T on transcript NM_000497.4 (MANE Select); coding-DNA position 694, A replaced by T.
Protein change: p.Lys232Ter; replaces lysine 232 with a stop codon.
Molecular consequence: nonsense.
Genome position (GRCh38, 1-based): chr8:142,876,787, T>A on the plus strand (A>T on the coding strand, the complement: CYP11B1 is on the minus strand). VCF-style: chr8-142876787-T-A. GRCh37 (hg19) VCF-style: chr8-143958203-T-A.
Other names: c.694A>T, p.Lys232Ter (NM_001026213.1); short protein forms K232*.
Identifiers: ClinVar variation 1725037 (VCV001725037.2), dbSNP rs2488678145, ClinGen allele CA372395606.